The following is an entry in ClinVar:

NM_000135.4(FANCA):c.1514C>A (p.Ser505Tyr)

Gene: FANCA (FA complementation group A; minus strand). Cytogenetic location: 16q24.3.
Variant type: single nucleotide variant.
Coding change: c.1514C>A on transcript NM_000135.4 (MANE Select); coding-DNA position 1514, C replaced by A.
Protein change: p.Ser505Tyr; replaces serine 505 with tyrosine.
Molecular consequence: missense variant.
Genome position (GRCh38, 1-based): chr16:89,783,059, G>T on the plus strand (C>A on the coding strand, the complement: FANCA is on the minus strand). VCF-style: chr16-89783059-G-T. GRCh37 (hg19) VCF-style: chr16-89849467-G-T.
Other names: c.1514C>A, p.Ser505Tyr (NM_001286167.3); short protein forms S505Y.
Identifiers: ClinVar variation 2633949 (VCV002633949.1), dbSNP rs756532738, ClinGen allele CA397458153.
Genomic context (GRCh38, chr16:89,783,059, plus strand): 5'-CAGCTTGCCTTGAGGTCGGCCAGCCGTGTCTTGGCCAATGAGATGTAGTCTGTGAGGAGG[G>T]AGCGGTACTTGCCGGGAACCAGGGGTGGGTGGAGAATGTGCACCTGAGGATAGATAGCAG-3'
Protein context (NP_000126.2, residues 495-515): HPPLVPGKYR[Ser505Tyr]LLTDYISLAK

ClinVar aggregate classification (germline): Uncertain significance (1 of 4 stars; one submission).

Conditions:
FANCA-related disorder. Also called: FANCA-related condition.

Allele frequency attached by ClinVar (database versions not stated): TOPMed below 0.00001.
gnomAD v4.1: 1 of 1,613,990 alleles (0.000062%); no homozygotes.

Submission:

PreventionGenetics, part of Exact Sciences
Classification: Uncertain significance for FANCA-related condition. Last evaluated: 2023-09-27. Review status: criteria provided, single submitter. Criteria: ACMG Guidelines, 2015. Collection method: clinical testing. Allele origin: germline.
Comment: The FANCA c.1514C>A variant is predicted to result in the amino acid substitution p.Ser505Tyr. To our knowledge, this variant has not been reported in the literature or in a large population database, indicating this variant is rare. At this time, the clinical significance of this variant is uncertain due to the absence of conclusive functional and genetic evidence.